The following is an entry in ClinVar:

NM_001375524.1(TRRAP):c.3670G>A (p.Glu1224Lys)

Gene: TRRAP (transformation/transcription domain associated protein; plus strand). Cytogenetic location: 7q22.1.
Variant type: single nucleotide variant.
Coding change: c.3670G>A on transcript NM_001375524.1 (MANE Select); coding-DNA position 3670, G replaced by A.
Protein change: p.Glu1224Lys; replaces glutamic acid 1224 with lysine.
Molecular consequence: missense variant.
Genome position (GRCh38, 1-based): chr7:98,931,483, G>A. VCF-style: chr7-98931483-G-A. GRCh37 (hg19) VCF-style: chr7-98529106-G-A.
Other names: c.3670G>A, p.Glu1224Lys (NM_001244580.2, NM_003496.4); short protein forms E1224K.
Identifiers: ClinVar variation 1806315 (VCV001806315.1), dbSNP rs1413029099, ClinGen allele CA368301758.

ClinVar aggregate classification (germline): Uncertain significance (1 of 4 stars; one submission).

Conditions:
Developmental delay with or without dysmorphic facies and autism. Identifiers: MedGen C5193106, MONDO:0032760, OMIM 618454.

Allele frequency attached by ClinVar (database versions not stated): gnomAD exomes below 0.00001; gnomAD 0.00001; TOPMed 0.00001.
gnomAD v4.1: 5 of 1,614,070 alleles (0.00031%); highest among the groups gnomAD compares: East Asian, 0.0045%; no homozygotes.

Submission:

Victorian Clinical Genetics Services, Murdoch Childrens Research Institute
Classification: Uncertain significance for Developmental delay with or without dysmorphic facies and autism. Last evaluated: 2020-05-21. Review status: criteria provided, single submitter. Criteria: ACMG Guidelines, 2015. Collection method: clinical testing. Allele origin: germline. Inheritance: Autosomal dominant inheritance. Affected: yes.
Comment: Based on the classification scheme VCGS_Germline_v1.1.1, this variant is classified as 3C-VUS. Following criteria are met: 0105 - The mechanism of disease for this gene is not clearly established. (N) 0107 - This gene is known to be associated with autosomal dominant disease. (N) 0200 - Variant is predicted to result in a missense amino acid change from glutamic acid to lysine (exon 26). (N) 0251 - Variant is heterozygous. (N) 0302 - Variant is present in gnomAD <0.001 for a dominant condition (1 heterozygote, 0 homozygotes). (P) 0503 - Missense variant consistently predicted to be tolerated or not conserved in mammals with a minor amino acid change. (B) 0604 - Variant is not located in an established domain, motif, hotspot or informative constraint region. (N) 0705 - No comparable variants have previous evidence for pathogenicity. (N) 0807 - Variant has not previously been reported in a clinical context. (N) 0905 - No segregation evidence has been identified for this variant. (N) 1007 - No published functional evidence has been identified for this variant. (N) 1208 - Inheritance information for this variant is not currently available. (N) Legend: (P) - Pathogenic, (N) - Neutral, (B) - Benign